The following is an entry in ClinVar:

ClinVar aggregate classification (germline): Uncertain significance. Review status: criteria provided, multiple submitters, no conflicts (2 of 4 stars). 3 submissions from 3 submitters: Uncertain significance (3). Last evaluated 2023-04-11.

Conditions:
Inborn genetic diseases. Identifiers: MedGen C0950123, MeSH D030342.
Microcephaly 5, primary, autosomal recessive (MCPH5). Also called: ASPM Primary Microcephaly. Identifiers: Orphanet 2512, MedGen C1837501, MONDO:0012106, OMIM 608716.

Allele frequency attached by ClinVar (database versions not stated): gnomAD 0.00003 and 0.00005; ExAC 0.00006; gnomAD exomes 0.00006 and 0.00007; TOPMed 0.00007.
gnomAD v4.1: 107 of 1,612,146 alleles (0.0066%); highest among the groups gnomAD compares: Admixed American, 0.022%; no homozygotes.

Submissions (3):

Genome-Nilou Lab
Classification: Uncertain significance for Microcephaly 5, primary, autosomal recessive. Last evaluated: 2023-04-11. Review status: criteria provided, single submitter. Criteria: ACMG Guidelines, 2015. Collection method: clinical testing. Allele origin: germline. Affected: no.

Labcorp Genetics (formerly Invitae), Labcorp
Classification: Uncertain significance. Last evaluated: 2021-10-07. Review status: criteria provided, single submitter. Criteria: Invitae Variant Classification Sherloc (09022015). Collection method: clinical testing. Allele origin: germline.
Comment: This sequence change replaces arginine with glutamine at codon 2682 of the ASPM protein (p.Arg2682Gln). The arginine residue is weakly conserved and there is a small physicochemical difference between arginine and glutamine. This variant is present in population databases (rs777169562, ExAC 0.03%). This variant has not been reported in the literature in individuals affected with ASPM-related conditions. Algorithms developed to predict the effect of missense changes on protein structure and function output the following: SIFT: "Tolerated"; PolyPhen-2: "Benign"; Align-GVGD: "Class C0". The glutamine amino acid residue is found in multiple mammalian species, which suggests that this missense change does not adversely affect protein function. In summary, the available evidence is currently insufficient to determine the role of this variant in disease. Therefore, it has been classified as a Variant of Uncertain Significance.

Ambry Genetics
Classification: Uncertain significance for Inborn genetic diseases. Last evaluated: 2021-07-09. Review status: criteria provided, single submitter. Criteria: Ambry Variant Classification Scheme 2023. Collection method: clinical testing. Allele origin: germline.

NM_018136.5(ASPM):c.8045G>A (p.Arg2682Gln)

Gene: ASPM (assembly factor for spindle microtubules; minus strand). Cytogenetic location: 1q31.3.
Variant type: single nucleotide variant.
Coding change: c.8045G>A on transcript NM_018136.5 (MANE Select); coding-DNA position 8045, G replaced by A.
Protein change: p.Arg2682Gln; replaces arginine 2682 with glutamine.
Molecular consequence: missense variant. On other transcripts: intron variant (1).
Genome position (GRCh38, 1-based): chr1:197,101,206, C>T on the plus strand (G>A on the coding strand, the complement: ASPM is on the minus strand). VCF-style: chr1-197101206-C-T. GRCh37 (hg19) VCF-style: chr1-197070336-C-T.
Other names: c.4066-5042G>A (NM_001206846.2); c.8045G>A (NM_018136.4); short protein forms R2682Q.
Identifiers: ClinVar variation 1511123 (VCV001511123.4), dbSNP rs777169562, ClinGen allele CA1309296.